The following is an entry in ClinVar:

NM_018429.3(BDP1):c.5242T>C (p.Cys1748Arg)

Gene: BDP1 (BDP1 general transcription factor IIIB subunit; plus strand). Cytogenetic location: 5q13.2.
Variant type: single nucleotide variant.
Coding change: c.5242T>C on transcript NM_018429.3 (MANE Select); coding-DNA position 5242, T replaced by C.
Protein change: p.Cys1748Arg; replaces cysteine 1748 with arginine.
Molecular consequence: missense variant.
Genome position (GRCh38, 1-based): chr5:71,522,804, T>C. VCF-style: chr5-71522804-T-C. GRCh37 (hg19) VCF-style: chr5-70818631-T-C.
Other names: short protein forms C1748R.
Identifiers: ClinVar variation 3133634 (VCV003133634.2), dbSNP rs771370407, ClinGen allele CA3296900.

ClinVar aggregate classification (germline): Uncertain significance. Review status: criteria provided, multiple submitters, no conflicts (2 of 4 stars). 2 submissions from 2 submitters: Uncertain significance (2). Last evaluated 2025-11-11.

Conditions:
BDP1-related disorder. Also called: BDP1-related condition.

Allele frequency attached by ClinVar (database versions not stated): gnomAD 0.00006; ExAC 0.00007; TOPMed 0.00007.
gnomAD v4.1: 104 of 1,610,092 alleles (0.0065%); highest among the groups gnomAD compares: Middle Eastern, 0.083%; no homozygotes.

Submissions (2):

PreventionGenetics, part of Exact Sciences
Classification: Uncertain significance for BDP1-related condition. Last evaluated: 2025-11-11. Review status: criteria provided, single submitter. Criteria: ACMG Guidelines, 2015. Collection method: clinical testing. Allele origin: germline.
Comment: The BDP1 c.5242T>C variant is predicted to result in the amino acid substitution p.Cys1748Arg. To our knowledge, this variant has not been reported in the literature. This variant is reported in 0.014% of alleles in individuals of South Asian descent in gnomAD. At this time, the clinical significance of this variant is uncertain due to the absence of conclusive functional and genetic evidence.

Ambry Genetics
Classification: Uncertain significance. Last evaluated: 2023-12-30. Review status: criteria provided, single submitter. Criteria: Ambry Variant Classification Scheme 2023. Collection method: clinical testing. Allele origin: germline.